The following is an entry in ClinVar:

NM_001348323.3(TRIP12):c.4271G>A (p.Gly1424Glu)

Gene: TRIP12 (thyroid hormone receptor interactor 12; minus strand). Cytogenetic location: 2q36.3.
Variant type: single nucleotide variant.
Coding change: c.4271G>A on transcript NM_001348323.3 (MANE Select); coding-DNA position 4271, G replaced by A.
Protein change: p.Gly1424Glu; replaces glycine 1424 with glutamic acid.
Molecular consequence: missense variant.
Genome position (GRCh38, 1-based): chr2:229,792,010, C>T on the plus strand (G>A on the coding strand, the complement: TRIP12 is on the minus strand). VCF-style: chr2-229792010-C-T. GRCh37 (hg19) VCF-style: chr2-230656726-C-T.
Other names: c.4259G>A, p.Gly1420Glu (NM_001348321.1); c.4271G>A, p.Gly1424Glu (NM_001348322.1, NM_001348324.2, NM_001348325.2 and 2 more transcripts); c.4274G>A, p.Gly1425Glu (NM_001348328.1, NM_001348329.2, NM_001348330.2); c.4049G>A, p.Gly1350Glu (NM_001348331.1); c.4169G>A, p.Gly1390Glu (NM_001348332.1); c.4193G>A, p.Gly1398Glu (NM_001348333.1); c.4046G>A, p.Gly1349Glu (NM_004238.3); c.4190G>A, p.Gly1397Glu (NM_001284214.2, NM_001348315.2); and 4 more; short protein forms G1079E, G1349E, G1350E, G1377E, G1382E, G1390E, G1397E, G1398E.
Identifiers: ClinVar variation 4881851 (VCV004881851.2).

ClinVar aggregate classification (germline): Uncertain significance (1 of 4 stars; one submission).

Submission:

Dasa
Classification: Uncertain significance. Last evaluated: 2024-12-06. Review status: criteria provided, single submitter. Criteria: DASA Assertion Criteria. Collection method: clinical testing. Allele origin: germline.
Comment: NM_001348323.3(TRIP12):c.4271G>A (p.Gly1424Glu) is a missense variant that results in the substitution of glycine with glutamic acid. This variant is absent from population databases. The currently available literature and clinical evidence are not sufficient to establish a definitive association between this variant and the reported condition. Therefore, this variant is classified as a variant of uncertain significance.